The following is an entry in ClinVar:

ClinVar aggregate classification (germline): Uncertain significance (1 of 4 stars; one submission).

Conditions:
Developmental and epileptic encephalopathy, 12 (DEE12). Identifiers: MedGen C3150988, MONDO:0013389, OMIM 613722.

Allele frequency attached by ClinVar (database versions not stated): gnomAD exomes below 0.00001.
gnomAD v4.1: 1 of 1,613,652 alleles (0.000062%); highest among the groups gnomAD compares: Non-Finnish European, 0.000085%; no homozygotes.

Submission:

Labcorp Genetics (formerly Invitae), Labcorp
Classification: Uncertain significance for Developmental and epileptic encephalopathy, 12. Last evaluated: 2022-06-28. Review status: criteria provided, single submitter. Criteria: Invitae Variant Classification Sherloc (09022015). Collection method: clinical testing. Allele origin: germline.
Comment: This variant is not present in population databases (gnomAD no frequency). This sequence change replaces tyrosine, which is neutral and polar, with histidine, which is basic and polar, at codon 816 of the PLCB1 protein (p.Tyr816His). This variant has not been reported in the literature in individuals affected with PLCB1-related conditions. In summary, the available evidence is currently insufficient to determine the role of this variant in disease. Therefore, it has been classified as a Variant of Uncertain Significance. Algorithms developed to predict the effect of missense changes on protein structure and function are either unavailable or do not agree on the potential impact of this missense change (SIFT: "Deleterious"; PolyPhen-2: "Benign"; Align-GVGD: "Class C0").

NM_015192.4(PLCB1):c.2446T>C (p.Tyr816His)

Gene: PLCB1 (phospholipase C beta 1; plus strand). Cytogenetic location: 20p12.3.
Variant type: single nucleotide variant.
Coding change: c.2446T>C on transcript NM_015192.4 (MANE Select); coding-DNA position 2446, T replaced by C.
Protein change: p.Tyr816His; replaces tyrosine 816 with histidine.
Molecular consequence: missense variant.
Genome position (GRCh38, 1-based): chr20:8,741,496, T>C. VCF-style: chr20-8741496-T-C. GRCh37 (hg19) VCF-style: chr20-8722143-T-C.
Other names: c.2446T>C, p.Tyr816His (NM_182734.3); short protein forms Y816H.
Identifiers: ClinVar variation 2011885 (VCV002011885.4), dbSNP rs2515305775, ClinGen allele CA408208277.